The following is an entry in ClinVar:

ClinVar aggregate classification (germline): Pathogenic. Review status: criteria provided, multiple submitters, no conflicts (2 of 4 stars). 2 submissions from 2 submitters: Pathogenic (2). Last evaluated 2025-02-11.

Conditions:
Diamond-Blackfan anemia 8 (DBA8). Also called: RPS7-Related Diamond-Blackfan Anemia. Identifiers: Orphanet 124, MedGen C2675511, MONDO:0012939, OMIM 612563.

Submissions (2):

Victorian Clinical Genetics Services, Murdoch Childrens Research Institute
Classification: Pathogenic for Diamond-Blackfan anemia 8. Last evaluated: 2025-02-11. Review status: criteria provided, single submitter. Criteria: ACMG Guidelines, 2015. Collection method: clinical testing. Allele origin: germline. Affected: yes.
Comment: This variant is classified as Pathogenic. Evidence in support of pathogenic classification: Canonical splice site variant without proven consequence on splicing (no functional evidence available); Variant is absent from gnomAD (v2, v3 and v4); This variant has moderate previous evidence of pathogenicity in unrelated individuals. This variant has been classified as pathogenic by a clinical laboratory in ClinVar. It has also been reported in the literature in individuals with Diamond-Blackfan anaemia (PMIDs: 25424902, 28102861, 30503522). - Other splice site variant(s) comparable to the one identified in this case have moderate previous evidence for pathogenicity. c.75+1G>T has been classified as likely pathogenic by a clinical laboratory in ClinVar. It has also been reported in the literature in an individual with bone marrow failure and classified as pathogenic (PMID: 32054657). c.75+2T>G has also been reported in the literature in an individual with a suspected inherited bone marrow failure syndrome and classified as pathogenic (PMID: 33718801); Abnormal splicing is predicted by in silico tool and affected nucleotide is highly conserved; Additional information: This variant is heterozygous; This gene is associated with autosomal dominant disease; Alternative nucleotide change(s) at the same canonical splice site are present in gnomAD (Highest alelle count: v4: 4 heterozygote(s), 0 homozygote(s)); No published segregation evidence has been identified for this variant; No published functional evidence has been identified for this variant; Loss of function is a known mechanism of disease in this gene and is associated with Diamond-Blackfan anaemia 8 (MIM#612563).

Baylor Genetics
Classification: Pathogenic for Diamond-Blackfan anemia 8. Last evaluated: 2018-07-25. Review status: criteria provided, single submitter. Criteria: ACMG Guidelines, 2015. Collection method: clinical testing. Allele origin: paternal. Affected: yes.
Comment: This variant was determined to be pathogenic according to ACMG Guidelines, 2015 [PMID:25741868]. This variant has been previously reported in at least one patient with Diamond-Blackfan anemia [PMID 25424902, 28102861]

Literature cited by the submitters: PubMed 33718801 (cited by Victorian Clinical Genetics Services, Murdoch Childrens Research Institute); PubMed 30503522 (cited by Victorian Clinical Genetics Services, Murdoch Childrens Research Institute); PubMed 32054657 (cited by Victorian Clinical Genetics Services, Murdoch Childrens Research Institute); PubMed 28102861 (cited by Victorian Clinical Genetics Services, Murdoch Childrens Research Institute and Baylor Genetics); PubMed 25424902 (cited by Victorian Clinical Genetics Services, Murdoch Childrens Research Institute and Baylor Genetics).

NM_001011.4(RPS7):c.75+1G>A

Gene: RPS7 (ribosomal protein S7; plus strand). Cytogenetic location: 2p25.3.
Variant type: single nucleotide variant.
Coding change: c.75+1G>A on transcript NM_001011.4 (MANE Select); the canonical splice donor site of the intron after coding-DNA position 75, G replaced by A.
Molecular consequence: splice donor variant.
Genome position (GRCh38, 1-based): chr2:3,575,685, G>A. VCF-style: chr2-3575685-G-A. GRCh37 (hg19) VCF-style: chr2-3623275-G-A.
Identifiers: ClinVar variation 1031721 (VCV001031721.2), dbSNP rs1661257691, ClinGen allele CA345742668.